The following is an entry in ClinVar:

ClinVar aggregate classification (germline): Uncertain significance (1 of 4 stars; one submission).

Conditions:
Epidermolysis bullosa simplex with nail dystrophy (EBS5D). Identifiers: MedGen C4225309, MONDO:0014661, OMIM 616487.
Epidermolysis bullosa simplex 5B, with muscular dystrophy (EBS5B). Also called: Epidermolysis bullosa simplex with muscular dystrophy; EPIDERMOLYSIS BULLOSA SIMPLEX AND LIMB-GIRDLE MUSCULAR DYSTROPHY. Identifiers: Orphanet 257, MedGen C2931072, MONDO:0009181, OMIM 226670.
Epidermolysis bullosa simplex, Ogna type (EBS5A). Also called: EPIDERMOLYSIS BULLOSA SIMPLEX 5A, OGNA TYPE; Pidermolysis bullosa simplex 5A, Ogna type. Identifiers: Orphanet 79401, MedGen C0432317, MONDO:0007555, OMIM 131950.
Epidermolysis bullosa simplex 5C, with pyloric atresia (EBS5C). Also called: PLEC-Related Epidermolysis Bullosa with Pyloric Atresia; Epidermolysis bullosa simplex with pyloric atresia; PLEC1-Related Epidermolysis Bullosa with Pyloric Atresia. Identifiers: Orphanet 158684, MedGen C2677349, MONDO:0012807, OMIM 612138.
Autosomal recessive limb-girdle muscular dystrophy type 2Q (LGMDR17). Also called: MUSCULAR DYSTROPHY, LIMB-GIRDLE, AUTOSOMAL RECESSIVE 17. Identifiers: Orphanet 254361, MedGen C3150989, MONDO:0013390, OMIM 613723.

Allele frequency attached by ClinVar (database versions not stated): ExAC 0.00001; gnomAD exomes 0.00001.
gnomAD v4.1: 4 of 1,599,204 alleles (0.00025%); highest among the groups gnomAD compares: Non-Finnish European, 0.00034%; no homozygotes.

Submission:

Labcorp Genetics (formerly Invitae), Labcorp
Classification: Uncertain significance for Autosomal recessive limb-girdle muscular dystrophy type 2Q; Epidermolysis bullosa simplex, Ogna type; Epidermolysis bullosa simplex with nail dystrophy; Epidermolysis bullosa simplex 5C, with pyloric atresia; Epidermolysis bullosa simplex 5B, with muscular dystrophy. Last evaluated: 2025-10-25. Review status: criteria provided, single submitter. Criteria: Invitae Variant Classification Sherloc (09022015). Collection method: clinical testing. Allele origin: germline.
Comment: This sequence change replaces alanine, which is neutral and non-polar, with valine, which is neutral and non-polar, at codon 3217 of the PLEC protein (p.Ala3217Val). The frequency data for this variant in the population databases is considered unreliable, as metrics indicate poor data quality at this position in the gnomAD database. This variant has not been reported in the literature in individuals affected with PLEC-related conditions. ClinVar contains an entry for this variant (Variation ID: 1931455). An algorithm developed to predict the effect of missense changes on protein structure and function outputs the following: PolyPhen-2: "Benign". The valine amino acid residue is found in multiple mammalian species, which suggests that this missense change does not adversely affect protein function. In summary, the available evidence is currently insufficient to determine the role of this variant in disease. Therefore, it has been classified as a Variant of Uncertain Significance.

NM_201384.3(PLEC):c.9569C>T (p.Ala3190Val)

Gene: PLEC (plectin; minus strand). Cytogenetic location: 8q24.3.
Variant type: single nucleotide variant.
Coding change: c.9569C>T on transcript NM_201384.3 (MANE Select); coding-DNA position 9569, C replaced by T.
Protein change: p.Ala3190Val; replaces alanine 3190 with valine.
Molecular consequence: missense variant.
Genome position (GRCh38, 1-based): chr8:143,920,252, G>A on the plus strand (C>T on the coding strand, the complement: PLEC is on the minus strand). VCF-style: chr8-143920252-G-A. GRCh37 (hg19) VCF-style: chr8-144994420-G-A.
Other names: c.9650C>T, p.Ala3217Val (NM_000445.5); c.6269C>T, p.Ala2090Val (NM_001410941.1); c.9527C>T, p.Ala3176Val (NM_201378.4); c.9503C>T, p.Ala3168Val (NM_201379.3); c.9980C>T, p.Ala3327Val (NM_201380.4); c.9473C>T, p.Ala3158Val (NM_201381.3); c.9569C>T, p.Ala3190Val (NM_201382.4); c.9581C>T, p.Ala3194Val (NM_201383.3); short protein forms A2090V, A3176V, A3158V, A3190V, A3194V, A3217V, A3168V, A3327V.
Identifiers: ClinVar variation 1931455 (VCV001931455.5), dbSNP rs782783368, ClinGen allele CA4924928.
Genomic context (GRCh38, chr8:143,920,252, plus strand): 5'-AGCAGGCTCAGCCCGGTCAGCTGGTCGGGCCGGCACCGCTGCTGGAGCTCGCCGTAGGTG[G>A]CCGGCTCCCCTGTGCTGGGGTCACTGTAGGCCTTGGCGTCGGCCCTTGGTGCCGACAGGG-3'
Protein context (NP_958786.1, residues 3180-3200): AYSDPSTGEP[Ala3190Val]TYGELQQRCR